The following is an entry in ClinVar:

NM_004999.4(MYO6):c.287C>T (p.Ala96Val)

Gene: MYO6 (myosin VI; plus strand). Cytogenetic location: 6q14.1.
Variant type: single nucleotide variant.
Coding change: c.287C>T on transcript NM_004999.4 (MANE Select); coding-DNA position 287, C replaced by T.
Protein change: p.Ala96Val; replaces alanine 96 with valine.
Molecular consequence: missense variant. On other transcripts: non-coding transcript variant (2).
Genome position (GRCh38, 1-based): chr6:75,830,441, C>T. VCF-style: chr6-75830441-C-T. GRCh37 (hg19) VCF-style: chr6-76540158-C-T.
Other names: c.287C>T, p.Ala96Val (NM_001300899.2, NM_001368136.1, NM_001368137.1 and 5 more transcripts); short protein forms A96V.
Identifiers: ClinVar variation 1304513 (VCV001304513.2), dbSNP rs749522327, ClinGen allele CA3896801.

ClinVar aggregate classification (germline): Uncertain significance (1 of 4 stars; one submission).

Allele frequency attached by ClinVar (database versions not stated): gnomAD exomes below 0.00001 and 0.00001; ExAC 0.00001.
gnomAD v4.1: 5 of 1,611,622 alleles (0.00031%); highest among the groups gnomAD compares: Admixed American, 0.0017%; no homozygotes.

Submission:

GeneDx
Classification: Uncertain significance. Last evaluated: 2019-01-29. Review status: criteria provided, single submitter. Criteria: GeneDx Variant Classification Process June 2021. Collection method: clinical testing. Allele origin: germline. Affected: yes.
Comment: Not observed at a significant frequency in large population cohorts (Lek et al., 2016); In silico analysis, which includes protein predictors and evolutionary conservation, supports a deleterious effect; Has not been previously published as pathogenic or benign to our knowledge